The following is an entry in ClinVar:

NC_000023.10:g.(31792310_31838091)_(31986632_32235032)del

Gene: DMD (dystrophin; minus strand). Cytogenetic location: Xp21.1.
Variant type: Deletion.
Identifiers: ClinVar variation 996251 (VCV000996251.1).

ClinVar aggregate classification (germline): Pathogenic (1 of 4 stars; one submission).

Conditions:
Neuromuscular disease caused by qualitative or quantitative defects of dystrophin. Also called: Qualitative or quantitative defects of dystrophin. Identifiers: Orphanet 207085, MedGen C5679787, MONDO:0016147.

Submission:

Women's Health and Genetics/Laboratory Corporation of America, LabCorp
Classification: Pathogenic for Neuromuscular disease caused by qualitative or quantitative defects of dystrophin. Last evaluated: 2021-01-29. Review status: criteria provided, single submitter. Criteria: LabCorp Variant Classification Summary - May 2015. Collection method: clinical testing. Allele origin: germline.
Comment: Variant summary: The variant identified by MLPA or other technology involves the deletion of exons 45-50 in the DMD gene. A presumed nomenclature of c.(6438+1_6439-1)_(7309+1_7310-1)del has been designated for the purposes of this classification. Although exact breakpoints of this deletion are not known, it is expected to result in a frameshift deletion in the DMD gene, a known mechanism of disease. The variant was absent in 16120 control chromosomes (gnomAD, Structural Variants dataset). Deletion of exons 45-50 has been reported in the literature in multiple individuals affected with Dystrophinopathies (example: Ankala_2012, Chen_2014, Ishmukhametova_2012). These data indicate that the variant is very likely to be associated with disease. Immunohistochemistry/western blot analysis from a patient derived sample showed mosaic/abnormal dystrophin pattern (Ishmukhametova_2012). One ClinVar submitter (evaluation after 2014) cite the variant as pathogenic. Based on the evidence outlined above, the variant was classified as pathogenic.

Literature cited by the submitters: PubMed 22090376; PubMed 25244321; PubMed 22510846.